The following is an entry in ClinVar:

ClinVar aggregate classification (germline): Uncertain significance (1 of 4 stars; one submission).

Conditions:
Hereditary cancer-predisposing syndrome. Also called: Hereditary Cancer Syndrome; Neoplastic Syndromes, Hereditary; Hereditary neoplastic syndrome; Tumor predisposition. Identifiers: Orphanet 140162, MedGen C0027672, MeSH D009386, MONDO:0015356.

Submission:

Labcorp Genetics (formerly Invitae), Labcorp
Classification: Uncertain significance for Hereditary cancer-predisposing syndrome. Last evaluated: 2024-05-18. Review status: criteria provided, single submitter. Criteria: Invitae Variant Classification Sherloc (09022015). Collection method: clinical testing. Allele origin: germline.
Comment: This sequence change replaces threonine, which is neutral and polar, with isoleucine, which is neutral and non-polar, at codon 790 of the RAD50 protein (p.Thr790Ile). This variant is not present in population databases (gnomAD no frequency). This variant has not been reported in the literature in individuals affected with RAD50-related conditions. Advanced modeling of protein sequence and biophysical properties (such as structural, functional, and spatial information, amino acid conservation, physicochemical variation, residue mobility, and thermodynamic stability) performed at Invitae indicates that this missense variant is not expected to disrupt RAD50 protein function with a negative predictive value of 80%. In summary, the available evidence is currently insufficient to determine the role of this variant in disease. Therefore, it has been classified as a Variant of Uncertain Significance.

NM_005732.4(RAD50):c.2369C>T (p.Thr790Ile)

Gene: RAD50 (RAD50 double strand break repair protein; plus strand). Cytogenetic location: 5q31.1.
Variant type: single nucleotide variant.
Coding change: c.2369C>T on transcript NM_005732.4 (MANE Select); coding-DNA position 2369, C replaced by T.
Protein change: p.Thr790Ile; replaces threonine 790 with isoleucine.
Molecular consequence: missense variant.
Genome position (GRCh38, 1-based): chr5:132,603,461, C>T. VCF-style: chr5-132603461-C-T. GRCh37 (hg19) VCF-style: chr5-131939153-C-T.
Other names: short protein forms T790I.
Identifiers: ClinVar variation 3653749 (VCV003653749.2).